The following is an entry in ClinVar:

NM_005902.4(SMAD3):c.325T>C (p.Cys109Arg)

Gene: SMAD3 (SMAD family member 3; plus strand). Cytogenetic location: 15q22.33.
Variant type: single nucleotide variant.
Coding change: c.325T>C on transcript NM_005902.4 (MANE Select); coding-DNA position 325, T replaced by C.
Protein change: p.Cys109Arg; replaces cysteine 109 with arginine.
Molecular consequence: missense variant.
Genome position (GRCh38, 1-based): chr15:67,165,013, T>C. VCF-style: chr15-67165013-T-C. GRCh37 (hg19) VCF-style: chr15-67457351-T-C.
Other names: c.10T>C, p.Cys4Arg (NM_001145102.2); c.193T>C, p.Cys65Arg (NM_001145103.2); short protein forms C109R, C65R, C4R.
Identifiers: ClinVar variation 452245 (VCV000452245.2), dbSNP rs1555412079, ClinGen allele CA392954034.

ClinVar aggregate classification (germline): Uncertain significance (1 of 4 stars; one submission).

Submission:

GeneDx
Classification: Uncertain significance. Last evaluated: 2018-05-04. Review status: criteria provided, single submitter. Criteria: GeneDx Variant Classification (06012015). Collection method: clinical testing. Allele origin: germline. Affected: yes.
Comment: A variant of uncertain significance has been identified in the SMAD3 gene. The C109R variant has not been published as pathogenic or been reported as benign to our knowledge. This variant is not observed in large population cohorts (Lek et al., 2016). The C109R variant is a non-conservative amino acid substitution, which is likely to impact secondary protein structure as these residues differ in polarity, charge, size and/or other properties. This substitution occurs at a position that is conserved across species, and in silico analysis predicts this variant is probably damaging to the protein structure/function. Crystal structure analysis of this region suggests the C109 residue coordinates a bound zinc atom, the removal of which may negatively affect the DNA binding ability of the MH1 domain (Chai et al., 2003). However, the variant C109R variant lacks observation in a significant number of affected individuals, segregation data, and functional evidence, which would further clarify its pathogenicity.